The following is an entry in ClinVar:

ClinVar aggregate classification (germline): Uncertain significance. Review status: criteria provided, multiple submitters, no conflicts (2 of 4 stars). 2 submissions from 2 submitters: Uncertain significance (2). Last evaluated 2025-08-25.

Allele frequency attached by ClinVar (database versions not stated): gnomAD exomes below 0.00001; TOPMed below 0.00001; ESP Exome Variant Server 0.00008.
gnomAD v4.1: 1 of 1,613,526 alleles (0.000062%); highest among the groups gnomAD compares: Non-Finnish European, 0.000085%; no homozygotes.

Submissions (2):

Ambry Genetics
Classification: Uncertain significance. Last evaluated: 2025-08-25. Review status: criteria provided, single submitter. Criteria: Ambry Variant Classification Scheme 2023. Collection method: clinical testing. Allele origin: germline.

Labcorp Genetics (formerly Invitae), Labcorp
Classification: Uncertain significance. Last evaluated: 2021-01-17. Review status: criteria provided, single submitter. Criteria: Invitae Variant Classification Sherloc (09022015). Collection method: clinical testing. Allele origin: germline.
Comment: In summary, the available evidence is currently insufficient to determine the role of this variant in disease. Therefore, it has been classified as a Variant of Uncertain Significance. This sequence change replaces threonine with asparagine at codon 1587 of the TOP2B protein (p.Thr1587Asn). The threonine residue is weakly conserved and there is a small physicochemical difference between threonine and asparagine. This variant is not present in population databases (ExAC no frequency). This variant has not been reported in the literature in individuals with TOP2B-related conditions. Algorithms developed to predict the effect of missense changes on protein structure and function (SIFT, PolyPhen-2, Align-GVGD) all suggest that this variant is likely to be tolerated, but these predictions have not been confirmed by published functional studies and their clinical significance is uncertain.

NM_001330700.2(TOP2B):c.4775C>A (p.Thr1592Asn)

Gene: TOP2B (DNA topoisomerase II beta; minus strand). Cytogenetic location: 3p24.2.
Variant type: single nucleotide variant.
Coding change: c.4775C>A on transcript NM_001330700.2 (MANE Select); coding-DNA position 4775, C replaced by A.
Protein change: p.Thr1592Asn; replaces threonine 1592 with asparagine.
Molecular consequence: missense variant.
Genome position (GRCh38, 1-based): chr3:25,598,413, G>T on the plus strand (C>A on the coding strand, the complement: TOP2B is on the minus strand). VCF-style: chr3-25598413-G-T. GRCh37 (hg19) VCF-style: chr3-25639904-G-T.
Other names: c.4760C>A (NM_001068.2); c.4760C>A, p.Thr1587Asn (NM_001068.3); short protein forms T1587N, T1592N.
Identifiers: ClinVar variation 1402175 (VCV001402175.9), dbSNP rs374901845, ClinGen allele CA71614029.